The following is an entry in ClinVar:

ClinVar aggregate classification (germline): Uncertain significance (1 of 4 stars; one submission).

Conditions:
Hereditary cancer-predisposing syndrome. Also called: Tumor predisposition; Hereditary Cancer Syndrome; Hereditary neoplastic syndrome; Neoplastic Syndromes, Hereditary. Identifiers: Orphanet 140162, MedGen C0027672, MeSH D009386, MONDO:0015356.

Allele frequency attached by ClinVar (database versions not stated): gnomAD exomes below 0.00001; ExAC 0.00001.

Submission:

Ambry Genetics
Classification: Uncertain significance for Hereditary cancer-predisposing syndrome. Last evaluated: 2025-05-02. Review status: criteria provided, single submitter. Criteria: Ambry Variant Classification Scheme 2023. Collection method: clinical testing. Allele origin: germline.
Comment: The p.E535G variant (also known as c.1604A>G), located in coding exon 14 of the MRE11A gene, results from an A to G substitution at nucleotide position 1604. The glutamic acid at codon 535 is replaced by glycine, an amino acid with similar properties. This amino acid position is poorly conserved in available vertebrate species. In addition, this alteration is predicted to be tolerated by in silico analysis. Since supporting evidence is limited at this time, the clinical significance of this alteration remains unclear.

NM_005591.4(MRE11):c.1604A>G (p.Glu535Gly)

Gene: MRE11 (MRE11 double strand break repair nuclease; minus strand). Cytogenetic location: 11q21.
Variant type: single nucleotide variant.
Coding change: c.1604A>G on transcript NM_005591.4 (MANE Select); coding-DNA position 1604, A replaced by G.
Protein change: p.Glu535Gly; replaces glutamic acid 535 with glycine.
Molecular consequence: missense variant.
Genome position (GRCh38, 1-based): chr11:94,447,398, T>C on the plus strand (A>G on the coding strand, the complement: MRE11 is on the minus strand). VCF-style: chr11-94447398-T-C. GRCh37 (hg19) VCF-style: chr11-94180564-T-C.
Other names: c.1604A>G, p.Glu535Gly (NM_001330347.2, NM_005590.4); short protein forms E535G.
Identifiers: ClinVar variation 485824 (VCV000485824.6), dbSNP rs780583422, ClinGen allele CA6235018.